The following is an entry in ClinVar:

ClinVar aggregate classification (germline): Uncertain significance. Review status: criteria provided, single submitter (1 of 4 stars). 2 submissions from 2 submitters: Uncertain significance (1). 1 of the submissions does not count toward it. Last evaluated 2024-09-06.

Conditions:
IFT27-related disorder. Also called: IFT27-related condition.

Allele frequency attached by ClinVar (database versions not stated): TOPMed below 0.00001; ExAC 0.00001; gnomAD 0.00004.

Submissions (2):

Labcorp Genetics (formerly Invitae), Labcorp
Classification: Uncertain significance. Last evaluated: 2024-09-06. Review status: criteria provided, single submitter. Criteria: Invitae Variant Classification Sherloc (09022015). Collection method: clinical testing. Allele origin: germline.
Comment: This sequence change replaces threonine, which is neutral and polar, with methionine, which is neutral and non-polar, at codon 53 of the IFT27 protein (p.Thr53Met). This variant is present in population databases (rs760774603, gnomAD 0.005%). This variant has not been reported in the literature in individuals affected with IFT27-related conditions. Invitae Evidence Modeling of protein sequence and biophysical properties (such as structural, functional, and spatial information, amino acid conservation, physicochemical variation, residue mobility, and thermodynamic stability) indicates that this missense variant is expected to disrupt IFT27 protein function with a positive predictive value of 95%. In summary, the available evidence is currently insufficient to determine the role of this variant in disease. Therefore, it has been classified as a Variant of Uncertain Significance.

PreventionGenetics, part of Exact Sciences
Classification: Uncertain significance for IFT27-related condition. Last evaluated: 2023-11-05. Review status: no assertion criteria provided. Collection method: clinical testing. Allele origin: germline. Not counted in ClinVar's aggregate classification.
Comment: The IFT27 c.158C>T variant is predicted to result in the amino acid substitution p.Thr53Met. To our knowledge, this variant has not been reported in the literature. This variant is reported in 0.010% of alleles in individuals of East Asian descent in gnomAD. At this time, the clinical significance of this variant is uncertain due to the absence of conclusive functional and genetic evidence.

NM_001177701.3(IFT27):c.161C>T (p.Thr54Met)

Gene: IFT27 (intraflagellar transport 27; minus strand). Cytogenetic location: 22q12.3.
Variant type: single nucleotide variant.
Coding change: c.161C>T on transcript NM_001177701.3 (MANE Select); coding-DNA position 161, C replaced by T.
Protein change: p.Thr54Met; replaces threonine 54 with methionine.
Molecular consequence: missense variant.
Genome position (GRCh38, 1-based): chr22:36,767,319, G>A on the plus strand (C>T on the coding strand, the complement: IFT27 is on the minus strand). VCF-style: chr22-36767319-G-A. GRCh37 (hg19) VCF-style: chr22-37163363-G-A.
Other names: c.158C>T (NM_006860.4); c.161C>T, p.Thr54Met (NM_001363003.2); c.158C>T, p.Thr53Met (NM_006860.5); short protein forms T53M, T54M.
Identifiers: ClinVar variation 2997971 (VCV002997971.4), dbSNP rs760774603, ClinGen allele CA10212504.